The following is an entry in ClinVar:

NM_001144869.3(LIPT2):c.52G>A (p.Glu18Lys)

Genes: LIPT2 (lipoyl(octanoyl) transferase 2; minus strand), LIPT2-AS1 (LIPT2 antisense RNA 1; plus strand). Cytogenetic location: 11q13.4.
Variant type: single nucleotide variant.
Coding change: c.52G>A on transcript NM_001144869.3 (MANE Select); coding-DNA position 52, G replaced by A.
Protein change: p.Glu18Lys; replaces glutamic acid 18 with lysine.
Molecular consequence: missense variant. On other transcripts: non-coding transcript variant (1).
Genome position (GRCh38, 1-based): chr11:74,493,652, C>T on the plus strand (G>A on the coding strand, the complement: LIPT2 is on the minus strand). VCF-style: chr11-74493652-C-T. GRCh37 (hg19) VCF-style: chr11-74204697-C-T.
Other names: c.52G>A, p.Glu18Lys (NM_001329941.2, NM_001329942.2); short protein forms E18K.
Identifiers: ClinVar variation 2106154 (VCV002106154.4), dbSNP rs1864411039, ClinGen allele CA381977154.

ClinVar aggregate classification (germline): Uncertain significance (1 of 4 stars; one submission).

gnomAD v4.1: 5 of 1,451,220 alleles (0.00034%); highest among the groups gnomAD compares: South Asian, 0.0027%; 1 homozygote.

Submission:

Labcorp Genetics (formerly Invitae), Labcorp
Classification: Uncertain significance. Last evaluated: 2024-01-22. Review status: criteria provided, single submitter. Criteria: Invitae Variant Classification Sherloc (09022015). Collection method: clinical testing. Allele origin: germline.
Comment: This sequence change replaces glutamic acid, which is acidic and polar, with lysine, which is basic and polar, at codon 18 of the LIPT2 protein (p.Glu18Lys). This variant is not present in population databases (gnomAD no frequency). This variant has not been reported in the literature in individuals affected with LIPT2-related conditions. ClinVar contains an entry for this variant (Variation ID: 2106154). An algorithm developed to predict the effect of missense changes on protein structure and function (PolyPhen-2) suggests that this variant is likely to be tolerated. In summary, the available evidence is currently insufficient to determine the role of this variant in disease. Therefore, it has been classified as a Variant of Uncertain Significance.